The following is an entry in ClinVar:

NM_032043.3(BRIP1):c.2038_2042del (p.Leu680fs)

Gene: BRIP1 (BRCA1 interacting DNA helicase 1; minus strand). Cytogenetic location: 17q23.2.
Variant type: Deletion.
Coding change: c.2038_2042del on transcript NM_032043.3 (MANE Select); coding-DNA positions 2038 to 2042, 5 bases deleted (TTGTT; older notation c.2038_2042delTTGTT).
Protein change: p.Leu680fs; shifts the reading frame from leucine 680.
Molecular consequence: frameshift variant.
Genome position (GRCh38, 1-based): chr17:61,776,456-61,776,460, AACAA deleted on the plus strand (TTGTT on the coding strand, the reverse complement: BRIP1 is on the minus strand); deleting any 5 consecutive bases within chr17:61,776,456-61,776,462 gives the same sequence; the c. name uses the placement nearest the transcript's 3' end. VCF-style (leftmost placement, unchanged base first): chr17-61776455-TAACAA-T. GRCh37 (hg19) VCF-style: chr17-59853816-TAACAA-T.
Other names: c.2038_2042delTTGTT (NM_032043.2); short protein forms L680fs.
Identifiers: ClinVar variation 491427 (VCV000491427.5), dbSNP rs1400202829, ClinGen allele CA658684150.

ClinVar aggregate classification (germline): Pathogenic. Review status: criteria provided, multiple submitters, no conflicts (2 of 4 stars). 2 submissions from 2 submitters: Pathogenic (2). Last evaluated 2023-06-05.

Conditions:
Familial cancer of breast. Also called: Hereditary breast cancer; hereditary breast carcinoma; BREAST CANCER, FAMILIAL. Identifiers: Orphanet 227535, MedGen C0346153, MONDO:0016419, OMIM 114480. Disease mechanism: loss of function.
Hereditary cancer-predisposing syndrome. Also called: Hereditary neoplastic syndrome; Tumor predisposition; Hereditary Cancer Syndrome; Neoplastic Syndromes, Hereditary. Identifiers: Orphanet 140162, MedGen C0027672, MeSH D009386, MONDO:0015356.

Submissions (2):

Myriad Genetics, Inc.
Classification: Pathogenic for Familial cancer of breast. Last evaluated: 2023-06-05. Review status: criteria provided, single submitter. Criteria: Myriad Autosomal Dominant, Autosomal Recessive and X-Linked Classification Criteria (2023). Collection method: clinical testing. Allele origin: unknown.
Comment: This variant is considered pathogenic. This variant creates a frameshift predicted to result in premature protein truncation.

Color Diagnostics, LLC DBA Color Health
Classification: Pathogenic for Hereditary cancer-predisposing syndrome. Last evaluated: 2017-02-21. Review status: criteria provided, single submitter. Criteria: ACMG Guidelines, 2015. Collection method: clinical testing. Allele origin: germline.